The following is an entry in ClinVar:

NM_001009944.3(PKD1):c.6050C>T (p.Ser2017Leu)

Gene: PKD1 (polycystin 1, transient receptor potential channel interacting; minus strand). Cytogenetic location: 16p13.3.
Variant type: single nucleotide variant.
Coding change: c.6050C>T on transcript NM_001009944.3 (MANE Select); coding-DNA position 6050, C replaced by T.
Protein change: p.Ser2017Leu; replaces serine 2017 with leucine.
Molecular consequence: missense variant.
Genome position (GRCh38, 1-based): chr16:2,109,117, G>A on the plus strand (C>T on the coding strand, the complement: PKD1 is on the minus strand). VCF-style: chr16-2109117-G-A. GRCh37 (hg19) VCF-style: chr16-2159118-G-A.
Other names: c.6050C>T, p.Ser2017Leu (NM_000296.4); short protein forms S2017L.
Identifiers: ClinVar variation 5005533 (VCV005005533.2).

ClinVar aggregate classification (germline): Uncertain significance (1 of 4 stars; one submission).

Conditions:
Polycystic kidney disease, adult type (PKD1). Also called: POLYCYSTIC KIDNEY DISEASE, ADULT, TYPE I; Polycystic Kidney, Autosomal Dominant; Polycystic Kidney Disease 1, Autosomal Dominant; Polycystic kidney disease 1; Polycystic kidney disease 1, severe; POLYCYSTIC KIDNEY DISEASE 1 WITH OR WITHOUT POLYCYSTIC LIVER DISEASE. Identifiers: MedGen C3149841, MONDO:0008263, OMIM 173900.

gnomAD v4.1: 60 of 1,602,706 alleles (0.0037%); highest among the groups gnomAD compares: Middle Eastern, 0.036%; no homozygotes.

Submission:

Juno Genomics, Hangzhou Juno Genomics, Inc
Classification: Uncertain significance for Polycystic kidney disease, adult type. Review status: criteria provided, single submitter. Criteria: ACMG Guidelines, 2015. Collection method: clinical testing. Allele origin: germline.
Comment: Absent from controls (or at extremely low frequency if recessive) in Genome Aggregation Database.;Patient's phenotype or family history is highly specific for a disease with a single genetic etiology.